The following is an entry in ClinVar:

ClinVar aggregate classification (germline): Pathogenic (1 of 4 stars; one submission).

Conditions:
Familial cancer of breast. Also called: BREAST CANCER, FAMILIAL; Hereditary breast cancer; hereditary breast carcinoma. Identifiers: Orphanet 227535, MedGen C0346153, MONDO:0016419, OMIM 114480. Disease mechanism: loss of function.

Submission:

Myriad Genetics, Inc.
Classification: Pathogenic for Familial cancer of breast. Last evaluated: 2026-09-03. Review status: criteria provided, single submitter. Criteria: Myriad Autosomal Dominant, Autosomal Recessive and X-Linked Classification Criteria (2023). Collection method: clinical testing. Allele origin: unknown.
Comment: This variant is considered pathogenic. This variant creates a frameshift predicted to result in premature protein truncation.

NM_000051.4(ATM):c.5234_5240del (p.Thr1745fs)

Gene: ATM (ATM serine/threonine kinase; plus strand). Cytogenetic location: 11q22.3.
Variant type: Deletion.
Coding change: c.5234_5240del on transcript NM_000051.4 (MANE Select); coding-DNA positions 5234 to 5240, 7 bases deleted (CTGGACA; older notation c.5234_5240delCTGGACA).
Protein change: p.Thr1745fs; shifts the reading frame from threonine 1745.
Molecular consequence: frameshift variant.
Genome position (GRCh38, 1-based): chr11:108,301,704-108,301,710, CTGGACA deleted; deleting any 7 consecutive bases within chr11:108,301,703-108,301,710 gives the same sequence; the c. name uses the placement nearest the transcript's 3' end. VCF-style (leftmost placement, unchanged base first): chr11-108301702-GACTGGAC-G. GRCh37 (hg19) VCF-style: chr11-108172429-GACTGGAC-G.
Other names: c.5234_5240del, p.Thr1745fs (NM_001351834.2); short protein forms T1745fs.
Identifiers: ClinVar variation 5042273 (VCV005042273.1).